The following is an entry in ClinVar:

ClinVar aggregate classification (germline): Uncertain significance (1 of 4 stars; one submission).

Conditions:
Anauxetic dysplasia. Identifiers: Orphanet 93347, MedGen C1846796, MONDO:0011773.

Submission:

Labcorp Genetics (formerly Invitae), Labcorp
Classification: Uncertain significance for Anauxetic dysplasia. Last evaluated: 2022-06-25. Review status: criteria provided, single submitter. Criteria: Invitae Variant Classification Sherloc (09022015). Collection method: clinical testing. Allele origin: germline.
Comment: This variant is not present in population databases (gnomAD no frequency). This variant has not been reported in the literature in individuals affected with RMRP-related conditions. Experimental studies and prediction algorithms are not available or were not evaluated, and the functional significance of this variant is currently unknown. In summary, the available evidence is currently insufficient to determine the role of this variant in disease. Therefore, it has been classified as a Variant of Uncertain Significance. This variant occurs in the RMRP gene, which encodes an RNA molecule that does not result in a protein product.

NR_003051.4(RMRP):n.144_145insTCCGTCT

Gene: RMRP (RNA component of mitochondrial RNA processing endoribonuclease; minus strand). Cytogenetic location: 9p13.3.
Variant type: Insertion.
Genome position: GRCh38 VCF-style: chr9-35657871-G-GCGGAAGA. GRCh37 (hg19) VCF-style: chr9-35657868-G-GCGGAAGA.
Identifiers: ClinVar variation 2010572 (VCV002010572.4), dbSNP rs2490601015, ClinGen allele CA2580080443.